The following is an entry in ClinVar:

NM_005045.4(RELN):c.1490A>G (p.Tyr497Cys)

Gene: RELN (reelin; minus strand). Cytogenetic location: 7q22.1.
Variant type: single nucleotide variant.
Coding change: c.1490A>G on transcript NM_005045.4 (MANE Select); coding-DNA position 1490, A replaced by G.
Protein change: p.Tyr497Cys; replaces tyrosine 497 with cysteine.
Molecular consequence: missense variant.
Genome position (GRCh38, 1-based): chr7:103,654,157, T>C on the plus strand (A>G on the coding strand, the complement: RELN is on the minus strand). VCF-style: chr7-103654157-T-C. GRCh37 (hg19) VCF-style: chr7-103294604-T-C.
Other names: c.1490A>G, p.Tyr497Cys (NM_173054.3); short protein forms Y497C.
Identifiers: ClinVar variation 3756665 (VCV003756665.2).
Genomic context (GRCh38, chr7:103,654,157, plus strand): 5'-TATGAGGAATAGGAAAGGGTATCCAGTGTTATATGCTCTTTTCTTCCTTCAATTTTTGCA[T>C]ACAGGATTATGTCATTTTCATGAGAATTTCCAGGGTCACAAATTCCTCCTGCACAAAACA-3'
Protein context (NP_005036.2, residues 487-507): GNSHENDIIL[Tyr497Cys]AKIEGRKEHI

ClinVar aggregate classification (germline): Uncertain significance (1 of 4 stars; one submission).

Conditions:
Familial temporal lobe epilepsy 7. Identifiers: Orphanet 101046, MedGen C4225327, MONDO:0014639, OMIM 616436.
Norman-Roberts syndrome (LIS2). Also called: Lissencephaly 2 (Norman-Roberts type). Identifiers: Orphanet 89844, MedGen C0796089, MONDO:0009760, OMIM 257320.

Submission:

Labcorp Genetics (formerly Invitae), Labcorp
Classification: Uncertain significance for Familial temporal lobe epilepsy 7; Norman-Roberts syndrome. Last evaluated: 2024-06-09. Review status: criteria provided, single submitter. Criteria: Invitae Variant Classification Sherloc (09022015). Collection method: clinical testing. Allele origin: germline.
Comment: This sequence change replaces tyrosine, which is neutral and polar, with cysteine, which is neutral and slightly polar, at codon 497 of the RELN protein (p.Tyr497Cys). This variant is not present in population databases (gnomAD no frequency). This variant has not been reported in the literature in individuals affected with RELN-related conditions. Advanced modeling of protein sequence and biophysical properties (such as structural, functional, and spatial information, amino acid conservation, physicochemical variation, residue mobility, and thermodynamic stability) performed at Invitae indicates that this missense variant is not expected to disrupt RELN protein function with a negative predictive value of 80%. In summary, the available evidence is currently insufficient to determine the role of this variant in disease. Therefore, it has been classified as a Variant of Uncertain Significance.